The following is an entry in ClinVar:

NM_003611.3(OFD1):c.262_273del (p.Glu88_Leu91del)

Gene: OFD1 (OFD1 centriole and centriolar satellite protein; plus strand). Cytogenetic location: Xp22.2.
Variant type: Deletion.
Coding change: c.262_273del on transcript NM_003611.3 (MANE Select); coding-DNA positions 262 to 273, 12 bases deleted (GAATATTCACTT).
Protein change: p.Glu88_Leu91del.
Molecular consequence: inframe deletion. On other transcripts: 5 prime UTR variant (1).
Genome position (GRCh38, 1-based): chrX:13,736,628-13,736,639, GAATATTCACTT deleted; deleting any 12 consecutive bases within chrX:13,736,627-13,736,639 gives the same sequence; the c. name uses the placement nearest the transcript's 3' end. VCF-style (leftmost placement, unchanged base first): chrX-13736626-ATGAATATTCACT-A. GRCh37 (hg19) VCF-style: chrX-13754745-ATGAATATTCACT-A.
Other names: c.262_273del, p.Glu88_Leu91del (NM_001330209.2); c.-284_-273del (NM_001330210.2).
Identifiers: ClinVar variation 2014389 (VCV002014389.4), dbSNP rs2518759216, ClinGen allele CA2580100352.

ClinVar aggregate classification (germline): Uncertain significance (1 of 4 stars; one submission).

Conditions:
Joubert syndrome. Also called: CEREBELLOPARENCHYMAL DISORDER IV; JOUBERT-BOLTSHAUSER SYNDROME; Familial aplasia of the vermis. Identifiers: Orphanet 475, MedGen C5979921, MONDO:0018772.
Orofaciodigital syndrome I (OFD1). Also called: OFDS I; Papillon-Leage and Psaume Syndrome; Oral-Facial-Digital Syndrome Type I. Identifiers: Orphanet 2750, MedGen C1510460, MONDO:0010702, OMIM 311200.

Submission:

Labcorp Genetics (formerly Invitae), Labcorp
Classification: Uncertain significance for Orofaciodigital syndrome I; Joubert syndrome. Last evaluated: 2022-08-05. Review status: criteria provided, single submitter. Criteria: Invitae Variant Classification Sherloc (09022015). Collection method: clinical testing. Allele origin: germline.
Comment: Algorithms developed to predict the effect of sequence changes on RNA splicing suggest that this variant may disrupt the consensus splice site. This variant, c.262_273del, results in the deletion of 4 amino acid(s) of the OFD1 protein (p.Glu88_Leu91del), but otherwise preserves the integrity of the reading frame. This variant is not present in population databases (gnomAD no frequency). This variant has not been reported in the literature in individuals affected with OFD1-related conditions. Experimental studies and prediction algorithms are not available or were not evaluated, and the functional significance of this variant is currently unknown. In summary, the available evidence is currently insufficient to determine the role of this variant in disease. Therefore, it has been classified as a Variant of Uncertain Significance.